The following is an entry in ClinVar:

NM_144687.4(NLRP12):c.391G>A (p.Asp131Asn)

Gene: NLRP12 (NLR family pyrin domain containing 12; minus strand). Cytogenetic location: 19q13.42.
Variant type: single nucleotide variant.
Coding change: c.391G>A on transcript NM_144687.4 (MANE Select); coding-DNA position 391, G replaced by A.
Protein change: p.Asp131Asn; replaces aspartic acid 131 with asparagine.
Molecular consequence: missense variant.
Genome position (GRCh38, 1-based): chr19:53,811,268, C>T on the plus strand (G>A on the coding strand, the complement: NLRP12 is on the minus strand). VCF-style: chr19-53811268-C-T. GRCh37 (hg19) VCF-style: chr19-54314522-C-T.
Other names: c.391G>A, p.Asp131Asn (NM_001277126.2, NM_001277129.1); short protein forms D131N.
Identifiers: ClinVar variation 1521262 (VCV001521262.6), dbSNP rs2122684214, ClinGen allele CA407417155.

ClinVar aggregate classification (germline): Uncertain significance (1 of 4 stars; one submission).

Conditions:
Familial cold autoinflammatory syndrome 2 (FCAS2). Identifiers: Orphanet 247868, MedGen C2673198, MONDO:0012724, OMIM 611762.

Submission:

Labcorp Genetics (formerly Invitae), Labcorp
Classification: Uncertain significance for Familial cold autoinflammatory syndrome 2. Last evaluated: 2021-09-10. Review status: criteria provided, single submitter. Criteria: Invitae Variant Classification Sherloc (09022015). Collection method: clinical testing. Allele origin: germline.
Comment: In summary, the available evidence is currently insufficient to determine the role of this variant in disease. Therefore, it has been classified as a Variant of Uncertain Significance. Algorithms developed to predict the effect of missense changes on protein structure and function output the following: SIFT: "Deleterious"; PolyPhen-2: "Benign"; Align-GVGD: "Class C0". The asparagine amino acid residue is found in multiple mammalian species, which suggests that this missense change does not adversely affect protein function. This variant has not been reported in the literature in individuals affected with NLRP12-related conditions. This variant is not present in population databases (ExAC no frequency). This sequence change replaces aspartic acid with asparagine at codon 131 of the NLRP12 protein (p.Asp131Asn). The aspartic acid residue is highly conserved and there is a small physicochemical difference between aspartic acid and asparagine.